The following is an entry in ClinVar:

ClinVar aggregate classification (germline): Uncertain significance (1 of 4 stars; one submission).

Conditions:
Ellis-van Creveld syndrome (EVC). Also called: Chondroectodermal dysplasia; EVC-Related Ellis-van Creveld Syndrome; EVC2-Related Ellis-van Creveld Syndrome; MESOECTODERMAL DYSPLASIA. Identifiers: Orphanet 289, MedGen C0013903, MONDO:0009162, OMIM 225500.
Curry-Hall syndrome (WAD). Also called: WEYERS ACRODENTAL DYSOSTOSIS. Identifiers: Orphanet 952, MedGen C0457013, MONDO:0008673, OMIM 193530.

Allele frequency attached by ClinVar (database versions not stated): gnomAD 0.00001.
gnomAD v4.1: 1 of 1,614,012 alleles (0.000062%); highest among the groups gnomAD compares: African/African-American, 0.0013%; no homozygotes.

Submission:

Labcorp Genetics (formerly Invitae), Labcorp
Classification: Uncertain significance for Curry-Hall syndrome; Ellis-van Creveld syndrome. Last evaluated: 2021-01-19. Review status: criteria provided, single submitter. Criteria: Invitae Variant Classification Sherloc (09022015). Collection method: clinical testing. Allele origin: germline.
Comment: This sequence change falls in intron 2 of the EVC gene. It does not directly change the encoded amino acid sequence of the EVC protein. It affects a nucleotide within the consensus splice site of the intron. This variant is not present in population databases (ExAC no frequency). This variant has not been reported in the literature in individuals with EVC-related conditions. Nucleotide substitutions within the consensus splice site are a relatively common cause of aberrant splicing (PMID: 17576681, 9536098). Algorithms developed to predict the effect of sequence changes on RNA splicing suggest that this variant may disrupt the consensus splice site, but this prediction has not been confirmed by published transcriptional studies. In summary, the available evidence is currently insufficient to determine the role of this variant in disease. Therefore, it has been classified as a Variant of Uncertain Significance.

Literature cited by the submitters: PubMed 17576681; PubMed 9536098.

NM_153717.3(EVC):c.300+3A>G

Gene: EVC (EvC ciliary complex subunit 1; plus strand). Cytogenetic location: 4p16.2.
Variant type: single nucleotide variant.
Coding change: c.300+3A>G on transcript NM_153717.3 (MANE Select); 3 bases into the intron after coding-DNA position 300, A replaced by G.
Molecular consequence: intron variant.
Genome position (GRCh38, 1-based): chr4:5,719,376, A>G. VCF-style: chr4-5719376-A-G. GRCh37 (hg19) VCF-style: chr4-5721103-A-G.
Other names: c.300+3A>G (NM_001306090.2, NM_001306092.2).
Identifiers: ClinVar variation 2148744 (VCV002148744.1), dbSNP rs1724558934, ClinGen allele CA1058852406.